The following is an entry in ClinVar:

ClinVar aggregate classification (germline): Uncertain significance (1 of 4 stars; one submission).

Conditions:
Methylmalonic acidemia with homocystinuria, type cblX (MAHCX). Also called: INTELLECTUAL DEVELOPMENTAL DISORDER, X-LINKED 3. Identifiers: Orphanet 369962, MedGen C0796208, MONDO:0010657, OMIM 309541.

Allele frequency attached by ClinVar (database versions not stated): gnomAD exomes below 0.00001.
gnomAD v4.1: 3 of 1,209,293 alleles (0.00025%); highest among the groups gnomAD compares: Non-Finnish European, 0.00034%; no homozygotes.

Submission:

Labcorp Genetics (formerly Invitae), Labcorp
Classification: Uncertain significance for Methylmalonic acidemia with homocystinuria, type cblX. Last evaluated: 2020-10-21. Review status: criteria provided, single submitter. Criteria: Invitae Variant Classification Sherloc (09022015). Collection method: clinical testing. Allele origin: germline.
Comment: This sequence change replaces valine with alanine at codon 1823 of the HCFC1 protein (p.Val1823Ala). The valine residue is moderately conserved and there is a small physicochemical difference between valine and alanine. In summary, the available evidence is currently insufficient to determine the role of this variant in disease. Therefore, it has been classified as a Variant of Uncertain Significance. Algorithms developed to predict the effect of missense changes on protein structure and function are either unavailable or do not agree on the potential impact of this missense change (SIFT: "Deleterious"; PolyPhen-2: "Possibly Damaging"; Align-GVGD: "Class C0"). This variant has not been reported in the literature in individuals with HCFC1-related conditions. This variant is not present in population databases (ExAC no frequency).

NM_005334.3(HCFC1):c.5468T>C (p.Val1823Ala)

Gene: HCFC1 (host cell factor C1; minus strand). Cytogenetic location: Xq28.
Variant type: single nucleotide variant.
Coding change: c.5468T>C on transcript NM_005334.3 (MANE Select); coding-DNA position 5468, T replaced by C.
Protein change: p.Val1823Ala; replaces valine 1823 with alanine.
Molecular consequence: missense variant.
Genome position (GRCh38, 1-based): chrX:153,951,399, A>G on the plus strand (T>C on the coding strand, the complement: HCFC1 is on the minus strand). VCF-style: chrX-153951399-A-G. GRCh37 (hg19) VCF-style: chrX-153216850-A-G.
Other names: short protein forms V1823A.
Identifiers: ClinVar variation 1005946 (VCV001005946.9), dbSNP rs2065309711, ClinGen allele CA415104143.
Genomic context (GRCh38, chrX:153,951,399, plus strand): 5'-GGGACACTTACGTCTGATGGGACAGCATCATCTGGTGGCAGGAAATAGTGTGTCACCATT[A>G]CATTGGTGCCCTTAATGACTCCCACATCAAACCACTGGTTTTCCTTCTTCATGGGGGCTT-3'
Protein context (NP_005325.2, residues 1813-1833): FDVGVIKGTN[Val1823Ala]MVTHYFLPPD